The following is an entry in ClinVar:

ClinVar aggregate classification (germline): Likely benign. Review status: criteria provided, single submitter (1 of 4 stars). 2 submissions from 2 submitters: Likely benign (1). 1 of the submissions does not count toward it. Last evaluated 2024-04-30.

Conditions:
ENPP1-related disorder. Also called: ENPP1-related condition; ENPP1-related disorders.

gnomAD v4.1: 6 of 1,613,780 alleles (0.00037%); highest among the groups gnomAD compares: East Asian, 0.0022%; no homozygotes.

Submissions (2):

Labcorp Genetics (formerly Invitae), Labcorp
Classification: Likely benign. Last evaluated: 2024-04-30. Review status: criteria provided, single submitter. Criteria: Invitae Variant Classification Sherloc (09022015). Collection method: clinical testing. Allele origin: germline.

PreventionGenetics, part of Exact Sciences
Classification: Likely benign for ENPP1-related condition. Last evaluated: 2024-05-24. Review status: no assertion criteria provided. Collection method: clinical testing. Allele origin: germline. Not counted in ClinVar's aggregate classification.
Comment: This variant is classified as likely benign based on ACMG/AMP sequence variant interpretation guidelines (Richards et al. 2015 PMID: 25741868, with internal and published modifications).

NM_006208.3(ENPP1):c.2427C>T (p.Ser809=)

Gene: ENPP1 (ectonucleotide pyrophosphatase/phosphodiesterase 1; plus strand). Cytogenetic location: 6q23.2.
Variant type: single nucleotide variant.
Coding change: c.2427C>T on transcript NM_006208.3 (MANE Select); coding-DNA position 2427, C replaced by T.
Protein change: p.Ser809=; no amino-acid change (serine 809 retained).
Molecular consequence: synonymous variant.
Genome position (GRCh38, 1-based): chr6:131,885,046, C>T. VCF-style: chr6-131885046-C-T. GRCh37 (hg19) VCF-style: chr6-132206186-C-T.
Identifiers: ClinVar variation 3358143 (VCV003358143.3).